The following is an entry in ClinVar:

ClinVar aggregate classification (germline): Uncertain significance (1 of 4 stars; one submission).

Submission:

Ambry Genetics
Classification: Uncertain significance. Last evaluated: 2024-10-11. Review status: criteria provided, single submitter. Criteria: Ambry Variant Classification Scheme 2023. Collection method: clinical testing. Allele origin: germline.
Comment: Does not currently meet published gene-disease clinical validity criteria Based on insufficient or conflicting evidence, the clinical significance of this alteration remains unclear.

Literature cited by the submitters: PubMed 28106320.

NM_172351.3(CD46):c.199G>C (p.Gly67Arg)

Gene: CD46 (CD46 molecule; plus strand). Cytogenetic location: 1q32.2.
Variant type: single nucleotide variant.
Coding change: c.199G>C on transcript NM_172351.3 (MANE Select); coding-DNA position 199, G replaced by C.
Protein change: p.Gly67Arg; replaces glycine 67 with arginine.
Molecular consequence: missense variant.
Genome position (GRCh38, 1-based): chr1:207,757,115, G>C. VCF-style: chr1-207757115-G-C. GRCh37 (hg19) VCF-style: chr1-207930460-G-C.
Other names: c.199G>C, p.Gly67Arg (NM_002389.4, NM_153826.4, NM_172350.3 and 8 more transcripts); short protein forms G67R.
Identifiers: ClinVar variation 3488104 (VCV003488104.1).